The following is an entry in ClinVar:

ClinVar aggregate classification (germline): Uncertain significance (1 of 4 stars; one submission).

Conditions:
Leukocyte adhesion deficiency 1 (LAD1). Also called: LEUKOCYTE ADHESION DEFICIENCY, TYPE I; LAD 1; Lymphocyte function-associated antigen 1 immunodeficiency; LFA 1 immunodeficiency. Identifiers: Orphanet 2968, Orphanet 99842, MedGen C0398738, MONDO:0007293, OMIM 116920.

Submission:

Labcorp Genetics (formerly Invitae), Labcorp
Classification: Uncertain significance for Leukocyte adhesion deficiency 1. Last evaluated: 2022-11-01. Review status: criteria provided, single submitter. Criteria: Invitae Variant Classification Sherloc (09022015). Collection method: clinical testing. Allele origin: germline.
Comment: Variants that disrupt the consensus splice site are a relatively common cause of aberrant splicing (PMID: 17576681, 9536098). Algorithms developed to predict the effect of sequence changes on RNA splicing suggest that this variant may disrupt the consensus splice site. In summary, the available evidence is currently insufficient to determine the role of this variant in disease. Therefore, it has been classified as a Variant of Uncertain Significance. ClinVar contains an entry for this variant (Variation ID: 1464076). This variant has not been reported in the literature in individuals affected with ITGB2-related conditions. This variant is not present in population databases (gnomAD no frequency). This sequence change falls in intron 13 of the ITGB2 gene. It does not directly change the encoded amino acid sequence of the ITGB2 protein. It affects a nucleotide within the consensus splice site.

Literature cited by the submitters: PubMed 17576681; PubMed 9536098.

NM_000211.5(ITGB2):c.1877+4A>T

Gene: ITGB2 (integrin subunit beta 2; minus strand). Cytogenetic location: 21q22.3.
Variant type: single nucleotide variant.
Coding change: c.1877+4A>T on transcript NM_000211.5 (MANE Select); 4 bases into the intron after coding-DNA position 1877, A replaced by T.
Molecular consequence: intron variant.
Genome position (GRCh38, 1-based): chr21:44,889,272, T>A on the plus strand (A>T on the coding strand, the complement: ITGB2 is on the minus strand). VCF-style: chr21-44889272-T-A. GRCh37 (hg19) VCF-style: chr21-46309187-T-A.
Other names: c.1877+4A>T (NM_001127491.3); c.1670+4A>T (NM_001303238.2).
Identifiers: ClinVar variation 1464076 (VCV001464076.6), dbSNP rs2146497740, ClinGen allele CA2573157706.